The following is an entry in ClinVar:

ClinVar aggregate classification (germline): Likely pathogenic (1 of 4 stars; one submission).

Conditions:
Long QT syndrome (LQTS). Identifiers: MedGen C0023976, MeSH D008133, MONDO:0002442. Disease mechanism: loss of function. Inheritance: Various modes of inheritance.

Submission:

Dept of Medical Biology, Uskudar University
Classification: Likely pathogenic for Long QT syndrome. Last evaluated: 2024-01-08. Review status: criteria provided, single submitter. Criteria: Dept of Medical Biology Variant Classification. Collection method: research. Allele origin: paternal. Affected: yes. Observed: 1 variant allele.
Comment: Criteria: PM1, PM2, PP1, PP3

NM_000218.3(KCNQ1):c.1579A>G (p.Lys527Glu)

Gene: KCNQ1 (potassium voltage-gated channel subfamily Q member 1; plus strand). Cytogenetic location: 11p15.5.
Variant type: single nucleotide variant.
Coding change: c.1579A>G on transcript NM_000218.3 (MANE Select); coding-DNA position 1579, A replaced by G.
Protein change: p.Lys527Glu; replaces lysine 527 with glutamic acid.
Molecular consequence: missense variant.
Genome position (GRCh38, 1-based): chr11:2,768,908, A>G. VCF-style: chr11-2768908-A-G. GRCh37 (hg19) VCF-style: chr11-2790138-A-G.
Other names: c.1483A>G, p.Lys495Glu (NM_001406836.1); c.1309A>G, p.Lys437Glu (NM_001406837.1); c.1039A>G, p.Lys347Glu (NM_001406838.1); c.1198A>G, p.Lys400Glu (NM_181798.2); short protein forms K347E, K400E, K437E, K495E, K527E.
Identifiers: ClinVar variation 2574002 (VCV002574002.3), dbSNP rs2494120459, ClinGen allele CA379139015.